The following is an entry in ClinVar:

NM_001394998.1(TANC2):c.770-3C>T

Gene: TANC2 (tetratricopeptide repeat, ankyrin repeat and coiled-coil containing 2; plus strand). Cytogenetic location: 17q23.3.
Variant type: single nucleotide variant.
Coding change: c.770-3C>T on transcript NM_001394998.1 (MANE Select); 3 bases into the intron before coding-DNA position 770, C replaced by T.
Molecular consequence: intron variant.
Genome position (GRCh38, 1-based): chr17:63,237,811, C>T. VCF-style: chr17-63237811-C-T. GRCh37 (hg19) VCF-style: chr17-61315172-C-T.
Other names: NC_000017.10:g.61315172C>T; c.548-3C>T (NM_001411076.1, NM_025185.4).
Identifiers: ClinVar variation 2648040 (VCV002648040.25), dbSNP rs561984596, ClinGen allele CA8697443.

ClinVar aggregate classification (germline): Likely benign (1 of 4 stars; one submission).

Allele frequency attached by ClinVar (database versions not stated): gnomAD exomes 0.00019; ExAC 0.00116; gnomAD 0.00212; TOPMed 0.00243; 1000 Genomes Project 0.00280; 1000 Genomes Project 30x 0.00328.
gnomAD v4.1: 582 of 1,518,348 alleles (0.038%); highest among the groups gnomAD compares: African/African-American, 0.74%; 1 homozygote.

Submissions (3):

CeGaT Center for Human Genetics Tuebingen
Classification: Likely benign. Last evaluated: 2025-11-01. Review status: criteria provided, single submitter. Criteria: CeGaT Center For Human Genetics Tuebingen Variant Classification Criteria Version 2. Collection method: clinical testing. Allele origin: germline. Affected: yes. Observed: 4 variant alleles.
Comment: TANC2: BP4, BS1

Dr. Peter K. Rogan Lab, Western University
No classification provided (evidence only). Condition: Uterine corpus endometrial carcinoma. Review status: no classification provided. Collection method: in vitro. Allele origin: not applicable. Functional consequence: retained intron. Not counted in ClinVar's aggregate classification.

Dr. Peter K. Rogan Lab, Western University
No classification provided (evidence only). Condition: Uterine corpus endometrial carcinoma. Review status: no classification provided. Collection method: in vitro. Allele origin: not applicable. Functional consequence: retained intron. Not counted in ClinVar's aggregate classification.